The following is an entry in ClinVar:

ClinVar aggregate classification (germline): Benign/Likely benign. Review status: criteria provided, multiple submitters, no conflicts (2 of 4 stars). 2 submissions from 2 submitters: Benign (1); Likely benign (1). Last evaluated 2022-07-12.

Conditions:
Early-infantile DEE. Also called: Ohtahara syndrome; Early infantile epileptic encephalopathy; Early infantile epileptic encephalopathy with suppression bursts. Identifiers: Orphanet 1934, MedGen C0393706, MONDO:0800491.

Submissions (2):

Labcorp Genetics (formerly Invitae), Labcorp
Classification: Likely benign for Early-infantile DEE. Last evaluated: 2022-07-12. Review status: criteria provided, single submitter. Criteria: Invitae Variant Classification Sherloc (09022015). Collection method: clinical testing. Allele origin: germline.

GeneDx
Classification: Benign. Last evaluated: 2014-02-14. Review status: criteria provided, single submitter. Criteria: GeneDx Variant Classification (06012015). Collection method: clinical testing. Allele origin: germline. Affected: yes.
Comment: The variant is found in EPILEPSY panel(s).

NM_172107.4(KCNQ2):c.1302-18_1302-17insTCTGTCTC

Gene: KCNQ2 (potassium voltage-gated channel subfamily Q member 2; minus strand). Cytogenetic location: 20q13.33.
Variant type: Insertion.
Coding change: c.1302-18_1302-17insTCTGTCTC on transcript NM_172107.4 (MANE Select); 18 bases into the intron before coding-DNA position 1302 through 17 bases into the intron before coding-DNA position 1302, TCTGTCTC inserted.
Molecular consequence: intron variant.
Genome position: GRCh38 VCF-style: chr20-63415143-C-CGAGAGACA. GRCh37 (hg19) VCF-style: chr20-62046496-C-CGAGAGACA.
Other names: c.1218-18_1218-17insTCTGTCTC (NM_004518.6); c.1248-54_1248-53insTCTGTCTC (NM_172108.5); c.1248-18_1248-17insTCTGTCTC (NM_172106.3).
Identifiers: ClinVar variation 205842 (VCV000205842.10), dbSNP rs1555854853, ClinGen allele CA315304.